The following is an entry in ClinVar:

NM_001079802.2(FKTN):c.788T>G (p.Leu263Arg)

Gene: FKTN (fukutin; plus strand). Cytogenetic location: 9q31.2.
Variant type: single nucleotide variant.
Coding change: c.788T>G on transcript NM_001079802.2 (MANE Select); coding-DNA position 788, T replaced by G.
Protein change: p.Leu263Arg; replaces leucine 263 with arginine.
Molecular consequence: missense variant. On other transcripts: non-coding transcript variant (1).
Genome position (GRCh38, 1-based): chr9:105,615,285, T>G. VCF-style: chr9-105615285-T-G. GRCh37 (hg19) VCF-style: chr9-108377566-T-G.
Other names: c.788T>G, p.Leu263Arg (NM_001198963.2, NM_001351496.2, NM_001351498.2 and 1 more transcripts); c.719T>G, p.Leu240Arg (NM_001351497.2); c.392T>G, p.Leu131Arg (NM_001351499.2, NM_001351500.2, NM_001351501.2 and 1 more transcripts); short protein forms L263R, L131R, L240R.
Identifiers: ClinVar variation 1402019 (VCV001402019.9), dbSNP rs1564318575, ClinGen allele CA374377101.

ClinVar aggregate classification (germline): Uncertain significance. Review status: criteria provided, multiple submitters, no conflicts (2 of 4 stars). 2 submissions from 2 submitters: Uncertain significance (2). Last evaluated 2022-03-08.

Conditions:
Autosomal recessive limb-girdle muscular dystrophy type 2M. Also called: MUSCULAR DYSTROPHY, LIMB-GIRDLE, TYPE 2M; MUSCULAR DYSTROPHY-DYSTROGLYCANOPATHY (LIMB-GIRDLE), TYPE C, 4. Identifiers: Orphanet 206554, MedGen C1969040, MONDO:0012699, OMIM 611588.
Dilated cardiomyopathy 1X (CMD1X). Also called: FKTN-Related Dilated Cardiomyopathy; CARDIOMYOPATHY, DILATED, WITH MILD OR NO PROXIMAL MUSCLE WEAKNESS. Identifiers: Orphanet 154, MedGen C1969024, MONDO:0012704, OMIM 611615.
Muscular dystrophy-dystroglycanopathy (congenital with brain and eye anomalies), type A1 (MDDGA1). Also called: WALKER-WARBURG SYNDROME OR MUSCLE-EYE-BRAIN DISEASE, POMT1-RELATED; Hydrocephalus, agyria and retinal dysplasia; Hard +/- E syndrome; Warburg syndrome; Chemke syndrome; Pagon syndrome. Identifiers: Orphanet 588, Orphanet 899, MedGen C4284790, MONDO:0009364, OMIM 236670.
Muscular dystrophy-dystroglycanopathy (congenital without impaired intellectual development), type B, 4. Also called: MUSCULAR DYSTROPHY, CONGENITAL, FKTN-RELATED; Muscular dystrophy-dystroglycanopathy (congenital without intellectual disability), type B4. Identifiers: MedGen C2751052, MONDO:0013156, OMIM 613152.
Muscular dystrophy-dystroglycanopathy (congenital with brain and eye anomalies), type A, 4 (MDDGA4). Also called: Congenital muscular dystrophy-dystroglycanopathy with brain and eye anomalies, type A4; WALKER-WARBURG SYNDROME OR MUSCLE-EYE-BRAIN DISEASE, FKTN-RELATED; Fukuyama congenital muscular dystrophy; Walker-Warburg Syndrome, Fktn-Related; Muscular dystrophy, congenital progressive, with mental retardation; Muscular dystrophy, congenital, with central nervous system involvement. Identifiers: Orphanet 272, Orphanet 588, Orphanet 899, MedGen C0410174, MONDO:0009678, OMIM 253800.
Walker-Warburg congenital muscular dystrophy. Also called: Muscular dystrophy-dystroglycanopathy, type A; Walker-Warburg syndrome. Identifiers: Orphanet 899, MedGen C0265221, MONDO:0000171.

Allele frequency attached by ClinVar (database versions not stated): gnomAD exomes 0.00001 and below 0.00001.
gnomAD v4.1: 6 of 1,614,008 alleles (0.00037%); highest among the groups gnomAD compares: Non-Finnish European, 0.00042%; no homozygotes.

Submissions (2):

Labcorp Genetics (formerly Invitae), Labcorp
Classification: Uncertain significance for Walker-Warburg congenital muscular dystrophy. Last evaluated: 2022-03-08. Review status: criteria provided, single submitter. Criteria: Invitae Variant Classification Sherloc (09022015). Collection method: clinical testing. Allele origin: germline.
Comment: This variant is not present in population databases (gnomAD no frequency). This sequence change replaces leucine, which is neutral and non-polar, with arginine, which is basic and polar, at codon 263 of the FKTN protein (p.Leu263Arg). This variant has not been reported in the literature in individuals affected with FKTN-related conditions. In summary, the available evidence is currently insufficient to determine the role of this variant in disease. Therefore, it has been classified as a Variant of Uncertain Significance. Algorithms developed to predict the effect of missense changes on protein structure and function (SIFT, PolyPhen-2, Align-GVGD) all suggest that this variant is likely to be tolerated.

Fulgent Genetics
Classification: Uncertain significance for Muscular dystrophy-dystroglycanopathy (congenital with brain and eye anomalies), type A1; Muscular dystrophy-dystroglycanopathy (congenital with brain and eye anomalies), type A, 4; Autosomal recessive limb-girdle muscular dystrophy type 2M; Dilated cardiomyopathy 1X; Muscular dystrophy-dystroglycanopathy (congenital without impaired intellectual development), type B, 4. Last evaluated: 2021-07-05. Review status: criteria provided, single submitter. Criteria: ACMG Guidelines, 2015. Collection method: clinical testing. Allele origin: unknown.